The following is an entry in ClinVar:

NM_000368.5(TSC1):c.1647G>T (p.Lys549Asn)

Gene: TSC1 (TSC complex subunit 1; minus strand). Cytogenetic location: 9q34.13.
Variant type: single nucleotide variant.
Coding change: c.1647G>T on transcript NM_000368.5 (MANE Select); coding-DNA position 1647, G replaced by T.
Protein change: p.Lys549Asn; replaces lysine 549 with asparagine.
Molecular consequence: missense variant. On other transcripts: non-coding transcript variant (5).
Genome position (GRCh38, 1-based): chr9:132,905,931, C>A on the plus strand (G>T on the coding strand, the complement: TSC1 is on the minus strand). VCF-style: chr9-132905931-C-A. GRCh37 (hg19) VCF-style: chr9-135781318-C-A.
Other names: c.1284G>T, p.Lys428Asn (NM_001406619.1, NM_001406624.1, NM_001362177.2 and 5 more transcripts); c.1281G>T, p.Lys427Asn (NM_001406620.1, NM_001406621.1, NM_001406622.1 and 2 more transcripts); c.696G>T, p.Lys232Asn (NM_001406626.1); c.693G>T, p.Lys231Asn (NM_001406627.1, NM_001406628.1); c.594G>T, p.Lys198Asn (NM_001406629.1, NM_001406630.1); c.1644G>T, p.Lys548Asn (NM_001162426.2, NM_001406597.1, NM_001406598.1 and 6 more transcripts); c.1494G>T, p.Lys498Asn (NM_001162427.2, NM_001406610.1); c.1647G>T, p.Lys549Asn (NM_001406592.1, NM_001406593.1, NM_001406594.1 and 7 more transcripts); and 1 more; short protein forms K231N, K427N, K548N, K198N, K549N, K232N, K428N, K497N.
Identifiers: ClinVar variation 2750099 (VCV002750099.3), dbSNP rs2131835538, ClinGen allele CA375364473.

ClinVar aggregate classification (germline): Uncertain significance (1 of 4 stars; one submission).

Conditions:
Tuberous sclerosis 1 (TSC1). Identifiers: Orphanet 805, MedGen C1854465, MONDO:0008612, OMIM 191100.

Submission:

Labcorp Genetics (formerly Invitae), Labcorp
Classification: Uncertain significance for Tuberous sclerosis 1. Last evaluated: 2023-05-30. Review status: criteria provided, single submitter. Criteria: Invitae Variant Classification Sherloc (09022015). Collection method: clinical testing. Allele origin: germline.
Comment: In summary, the available evidence is currently insufficient to determine the role of this variant in disease. Therefore, it has been classified as a Variant of Uncertain Significance. Advanced modeling of protein sequence and biophysical properties (such as structural, functional, and spatial information, amino acid conservation, physicochemical variation, residue mobility, and thermodynamic stability) performed at Invitae indicates that this missense variant is not expected to disrupt TSC1 protein function. This variant has not been reported in the literature in individuals affected with TSC1-related conditions. This variant is not present in population databases (gnomAD no frequency). This sequence change replaces lysine, which is basic and polar, with asparagine, which is neutral and polar, at codon 549 of the TSC1 protein (p.Lys549Asn).